The following is an entry in ClinVar:

NM_001378122.1(SH3D19):c.1534+9A>G

Gene: SH3D19 (SH3 domain containing 19; minus strand). Cytogenetic location: 4q31.3.
Variant type: single nucleotide variant.
Coding change: c.1534+9A>G on transcript NM_001378122.1 (MANE Select); 9 bases into the intron after coding-DNA position 1534, A replaced by G.
Molecular consequence: intron variant.
Genome position (GRCh38, 1-based): chr4:151,174,661, T>C on the plus strand (A>G on the coding strand, the complement: SH3D19 is on the minus strand). VCF-style: chr4-151174661-T-C. GRCh37 (hg19) VCF-style: chr4-152095813-T-C.
Other names: NC_000004.11:g.152095813T>C; c.694+9A>G (NM_001378131.1, NM_001378128.1, NM_001243349.2 and 7 more transcripts); c.1534+9A>G (NM_001378121.1); c.1357+9A>G (NM_001378123.1, NM_001378124.1).
Identifiers: ClinVar variation 3049474 (VCV003049474.3), dbSNP rs202085905, ClinGen allele CA3104812.

ClinVar aggregate classification (germline): Benign (0 of 4 stars; one submission).

Conditions:
SH3D19-related disorder. Also called: SH3D19-related condition.

Allele frequency attached by ClinVar (database versions not stated): ESP Exome Variant Server 0.00031; gnomAD exomes 0.00036; ExAC 0.00041; gnomAD 0.00041; TOPMed 0.00044.
gnomAD v4.1: 581 of 1,496,104 alleles (0.039%); highest among the groups gnomAD compares: Non-Finnish European, 0.0088%; 6 homozygotes.

Submissions (2):

PreventionGenetics, part of Exact Sciences
Classification: Benign for SH3D19-related condition. Last evaluated: 2019-07-10. Review status: no assertion criteria provided. Collection method: clinical testing. Allele origin: germline.
Comment: This variant is classified as benign based on ACMG/AMP sequence variant interpretation guidelines (Richards et al. 2015 PMID: 25741868, with internal and published modifications).

Dr. Peter K. Rogan Lab, Western University
No classification provided (evidence only). Condition: Ovarian serous cystadenocarcinoma. Review status: no classification provided. Collection method: in vitro. Allele origin: not applicable. Functional consequence: retained intron. Not counted in ClinVar's aggregate classification.